The following is an entry in ClinVar:

ClinVar aggregate classification (germline): Uncertain significance. Review status: criteria provided, multiple submitters, no conflicts (2 of 4 stars). 2 submissions from 2 submitters: Uncertain significance (2). Last evaluated 2023-12-27.

Conditions:
Inborn genetic diseases. Identifiers: MedGen C0950123, MeSH D030342.

Allele frequency attached by ClinVar (database versions not stated): gnomAD 0.00001; gnomAD exomes 0.00001; TOPMed 0.00001.
gnomAD v4.1: 5 of 1,613,438 alleles (0.00031%); highest among the groups gnomAD compares: Non-Finnish European, 0.00042%; no homozygotes.

Submissions (2):

Ambry Genetics
Classification: Uncertain significance for Inborn genetic diseases. Last evaluated: 2023-12-27. Review status: criteria provided, single submitter. Criteria: Ambry Variant Classification Scheme 2023. Collection method: clinical testing. Allele origin: germline.

Labcorp Genetics (formerly Invitae), Labcorp
Classification: Uncertain significance. Last evaluated: 2022-09-19. Review status: criteria provided, single submitter. Criteria: Invitae Variant Classification Sherloc (09022015). Collection method: clinical testing. Allele origin: germline.
Comment: In summary, the available evidence is currently insufficient to determine the role of this variant in disease. Therefore, it has been classified as a Variant of Uncertain Significance. Algorithms developed to predict the effect of sequence changes on RNA splicing suggest that this variant may create or strengthen a splice site. Algorithms developed to predict the effect of missense changes on protein structure and function output the following: SIFT: "Deleterious"; PolyPhen-2: "Benign"; Align-GVGD: "Class C0". The arginine amino acid residue is found in multiple mammalian species, which suggests that this missense change does not adversely affect protein function. ClinVar contains an entry for this variant (Variation ID: 1496959). This variant has not been reported in the literature in individuals affected with SLC17A8-related conditions. This variant is not present in population databases (gnomAD no frequency). This sequence change replaces lysine, which is basic and polar, with arginine, which is basic and polar, at codon 10 of the SLC17A8 protein (p.Lys10Arg).

NM_139319.3(SLC17A8):c.29A>G (p.Lys10Arg)

Gene: SLC17A8 (solute carrier family 17 member 8; plus strand). Cytogenetic location: 12q23.1.
Variant type: single nucleotide variant.
Coding change: c.29A>G on transcript NM_139319.3 (MANE Select); coding-DNA position 29, A replaced by G.
Protein change: p.Lys10Arg; replaces lysine 10 with arginine.
Molecular consequence: missense variant.
Genome position (GRCh38, 1-based): chr12:100,357,420, A>G. VCF-style: chr12-100357420-A-G. GRCh37 (hg19) VCF-style: chr12-100751198-A-G.
Other names: c.29A>G (NM_139319.2); c.29A>G, p.Lys10Arg (NM_001145288.2); short protein forms K10R.
Identifiers: ClinVar variation 1496959 (VCV001496959.9), dbSNP rs1229096838, ClinGen allele CA386211360.